The following is an entry in ClinVar:

ClinVar aggregate classification (germline): Uncertain significance. Review status: criteria provided, multiple submitters, no conflicts (2 of 4 stars). 2 submissions from 2 submitters: Uncertain significance (2). Last evaluated 2024-06-16.

Allele frequency attached by ClinVar (database versions not stated): ExAC 0.00002; TOPMed 0.00002.
gnomAD v4.1: 22 of 1,610,328 alleles (0.0014%); highest among the groups gnomAD compares: African/African-American, 0.004%; no homozygotes.

Submissions (2):

Ambry Genetics
Classification: Uncertain significance. Last evaluated: 2024-06-16. Review status: criteria provided, single submitter. Criteria: Ambry Variant Classification Scheme 2023. Collection method: clinical testing. Allele origin: germline.

Labcorp Genetics (formerly Invitae), Labcorp
Classification: Uncertain significance. Last evaluated: 2022-07-05. Review status: criteria provided, single submitter. Criteria: Invitae Variant Classification Sherloc (09022015). Collection method: clinical testing. Allele origin: germline.
Comment: This sequence change replaces proline, which is neutral and non-polar, with leucine, which is neutral and non-polar, at codon 405 of the FGFRL1 protein (p.Pro405Leu). This variant is present in population databases (rs768252857, gnomAD 0.007%). This variant has not been reported in the literature in individuals affected with FGFRL1-related conditions. ClinVar contains an entry for this variant (Variation ID: 1444950). Algorithms developed to predict the effect of missense changes on protein structure and function are either unavailable or do not agree on the potential impact of this missense change (SIFT: "Deleterious"; PolyPhen-2: "Benign"; Align-GVGD: "Class C25"). In summary, the available evidence is currently insufficient to determine the role of this variant in disease. Therefore, it has been classified as a Variant of Uncertain Significance.

NM_001004356.3(FGFRL1):c.1214C>T (p.Pro405Leu)

Gene: FGFRL1 (fibroblast growth factor receptor like 1; plus strand). Cytogenetic location: 4p16.3.
Variant type: single nucleotide variant.
Coding change: c.1214C>T on transcript NM_001004356.3 (MANE Select); coding-DNA position 1214, C replaced by T.
Protein change: p.Pro405Leu; replaces proline 405 with leucine.
Molecular consequence: missense variant.
Genome position (GRCh38, 1-based): chr4:1,025,046, C>T. VCF-style: chr4-1025046-C-T. GRCh37 (hg19) VCF-style: chr4-1018834-C-T.
Other names: c.1214C>T, p.Pro405Leu (NM_001004358.1, NM_001370296.1, NM_021923.3); c.1214C>T (NM_001004356.2); short protein forms P405L.
Identifiers: ClinVar variation 1444950 (VCV001444950.4), dbSNP rs768252857, ClinGen allele CA2803029.